The following is an entry in ClinVar:

NM_000701.8(ATP1A1):c.1678C>A (p.Leu560Met)

Genes: ATP1A1 (ATPase Na+/K+ transporting subunit alpha 1; plus strand), ATP1A1-AS1 (ATP1A1 antisense RNA 1; minus strand). Cytogenetic location: 1p13.1.
Variant type: single nucleotide variant.
Coding change: c.1678C>A on transcript NM_000701.8 (MANE Select); coding-DNA position 1678, C replaced by A.
Protein change: p.Leu560Met; replaces leucine 560 with methionine.
Molecular consequence: missense variant.
Genome position (GRCh38, 1-based): chr1:116,395,127, C>A. VCF-style: chr1-116395127-C-A. GRCh37 (hg19) VCF-style: chr1-116937749-C-A.
Other names: c.1678C>A, p.Leu560Met (NM_001160233.2); c.1585C>A, p.Leu529Met (NM_001160234.2); short protein forms L560M, L529M.
Identifiers: ClinVar variation 3707070 (VCV003707070.2).
Genomic context (GRCh38, chr1:116,395,127, plus strand): 5'-CCAGCGTCACTGAAATTTTCAAAGGCTCCTGTCCTCCTCGCAGGTTTCTGCCACCTCTTT[C>A]TGCCAGATGAACAGTTTCCTGAAGGGTTCCAGTTTGACACTGACGATGTGAATTTCCCTA-3'
Protein context (NP_000692.2, residues 550-570): ERVLGFCHLF[Leu560Met]PDEQFPEGFQ

ClinVar aggregate classification (germline): Uncertain significance (1 of 4 stars; one submission).

Submission:

Labcorp Genetics (formerly Invitae), Labcorp
Classification: Uncertain significance. Last evaluated: 2025-01-20. Review status: criteria provided, single submitter. Criteria: Invitae Variant Classification Sherloc (09022015). Collection method: clinical testing. Allele origin: germline.
Comment: This sequence change replaces leucine, which is neutral and non-polar, with methionine, which is neutral and non-polar, at codon 560 of the ATP1A1 protein (p.Leu560Met). This variant is not present in population databases (gnomAD no frequency). This variant has not been reported in the literature in individuals affected with ATP1A1-related conditions. Invitae Evidence Modeling of protein sequence and biophysical properties (such as structural, functional, and spatial information, amino acid conservation, physicochemical variation, residue mobility, and thermodynamic stability) has been performed for this missense variant. However, the output from this modeling did not meet the statistical confidence thresholds required to predict the impact of this variant on ATP1A1 protein function. In summary, the available evidence is currently insufficient to determine the role of this variant in disease. Therefore, it has been classified as a Variant of Uncertain Significance.